The following is an entry in ClinVar:

ClinVar aggregate classification (germline): Uncertain significance (1 of 4 stars; one submission).

Conditions:
Cardiovascular phenotype. Identifiers: MedGen CN230736.

gnomAD v4.1: 7 of 1,613,732 alleles (0.00043%); highest among the groups gnomAD compares: East Asian, 0.016%; no homozygotes.

Submission:

Ambry Genetics
Classification: Uncertain significance for Cardiovascular phenotype. Last evaluated: 2024-05-05. Review status: criteria provided, single submitter. Criteria: Ambry Variant Classification Scheme 2023. Collection method: clinical testing. Allele origin: germline.
Comment: The p.M440T variant (also known as c.1319T>C), located in coding exon 6 of the MYPN gene, results from a T to C substitution at nucleotide position 1319. The methionine at codon 440 is replaced by threonine, an amino acid with similar properties. This amino acid position is conserved. In addition, the in silico prediction for this alteration is inconclusive. Based on the available evidence, the clinical significance of this variant remains unclear.

NM_032578.4(MYPN):c.1319T>C (p.Met440Thr)

Gene: MYPN (myopalladin; plus strand). Cytogenetic location: 10q21.3.
Variant type: single nucleotide variant.
Coding change: c.1319T>C on transcript NM_032578.4 (MANE Select); coding-DNA position 1319, T replaced by C.
Protein change: p.Met440Thr; replaces methionine 440 with threonine.
Molecular consequence: missense variant. On other transcripts: non-coding transcript variant (2).
Genome position (GRCh38, 1-based): chr10:68,158,487, T>C. VCF-style: chr10-68158487-T-C. GRCh37 (hg19) VCF-style: chr10-69918244-T-C.
Other names: c.1319T>C, p.Met440Thr (NM_001256267.2); c.437T>C, p.Met146Thr (NM_001256268.2); short protein forms M440T, M146T.
Identifiers: ClinVar variation 3298142 (VCV003298142.1).